The following is an entry in ClinVar:

NM_001040108.2(MLH3):c.1836A>G (p.Val612=)

Gene: MLH3 (mutL homolog 3; minus strand). Cytogenetic location: 14q24.3.
Variant type: single nucleotide variant.
Coding change: c.1836A>G on transcript NM_001040108.2 (MANE Select); coding-DNA position 1836, A replaced by G.
Protein change: p.Val612=; no amino-acid change (valine 612 retained).
Molecular consequence: synonymous variant.
Genome position (GRCh38, 1-based): chr14:75,047,820, T>C on the plus strand (A>G on the coding strand, the complement: MLH3 is on the minus strand). VCF-style: chr14-75047820-T-C. GRCh37 (hg19) VCF-style: chr14-75514523-T-C.
Other names: c.1836A>G, p.Val612= (NM_014381.3).
Identifiers: ClinVar variation 1581374 (VCV001581374.11), dbSNP rs1422736890, ClinGen allele CA487273773.
Genomic context (GRCh38, chr14:75,047,820, plus strand): 5'-TCTAACATAATTTTTAAATGAATGTTCTGTTTCAGTTGATTTAGTTTTTTCATTTTGTAC[T>C]ACATGAGTTATAAAGCCAGTGGAACATAATTTAACTCGCCCATAACTAAAAACATTTCTT-3'
Protein context (NP_001035197.1, residues 602-622): KLCSTGFITH[Val612=]VQNEKTKSTE

ClinVar aggregate classification (germline): Benign/Likely benign. Review status: criteria provided, multiple submitters, no conflicts (2 of 4 stars). 3 submissions from 3 submitters: Benign (1); Likely benign (2). Last evaluated 2026-09-18.

Conditions:
Colorectal cancer, hereditary nonpolyposis, type 7. Identifiers: Orphanet 144, MedGen C1858380, MONDO:0013725, OMIM 614385.

Allele frequency attached by ClinVar (database versions not stated): gnomAD 0.00001; TOPMed below 0.00001.
gnomAD v4.1: 1 of 1,613,820 alleles (0.000062%); highest among the groups gnomAD compares: African/African-American, 0.0013%; no homozygotes.

Submissions (3):

Myriad Genetics, Inc.
Classification: Benign for Colorectal cancer, hereditary nonpolyposis, type 7. Last evaluated: 2026-09-18. Review status: criteria provided, single submitter. Criteria: Myriad Autosomal Dominant, Autosomal Recessive and X-Linked Classification Criteria (2023). Collection method: clinical testing. Allele origin: unknown.
Comment: This variant is considered benign. This variant is a silent/synonymous amino acid change and it is not expected to impact splicing.

Labcorp Genetics (formerly Invitae), Labcorp
Classification: Likely benign for Colorectal cancer, hereditary nonpolyposis, type 7. Last evaluated: 2020-11-17. Review status: criteria provided, single submitter. Criteria: Invitae Variant Classification Sherloc (09022015). Collection method: clinical testing. Allele origin: germline.

Ambry Genetics
Classification: Likely benign. Last evaluated: 2020-08-20. Review status: criteria provided, single submitter. Criteria: Ambry Variant Classification Scheme 2023. Collection method: clinical testing. Allele origin: germline.